The following is an entry in ClinVar:

NM_002180.3(IGHMBP2):c.2111C>T (p.Ser704Phe)

Gene: IGHMBP2 (immunoglobulin mu DNA binding protein 2; plus strand). Cytogenetic location: 11q13.3.
Variant type: single nucleotide variant.
Coding change: c.2111C>T on transcript NM_002180.3 (MANE Select); coding-DNA position 2111, C replaced by T.
Protein change: p.Ser704Phe; replaces serine 704 with phenylalanine.
Molecular consequence: missense variant.
Genome position (GRCh38, 1-based): chr11:68,936,591, C>T. VCF-style: chr11-68936591-C-T. GRCh37 (hg19) VCF-style: chr11-68704059-C-T.
Other names: short protein forms S704F.
Identifiers: ClinVar variation 1786117 (VCV001786117.2), dbSNP rs781560475, ClinGen allele CA6153840.

ClinVar aggregate classification (germline): Uncertain significance (1 of 4 stars; one submission).

Conditions:
Inborn genetic diseases. Identifiers: MedGen C0950123, MeSH D030342.

Allele frequency attached by ClinVar (database versions not stated): gnomAD exomes below 0.00001; TOPMed below 0.00001; ExAC 0.00001; gnomAD 0.00001.
gnomAD v4.1: 8 of 1,612,704 alleles (0.0005%); highest among the groups gnomAD compares: Non-Finnish European, 0.00068%; no homozygotes.

Submission:

Ambry Genetics
Classification: Uncertain significance for Inborn genetic diseases. Last evaluated: 2022-09-12. Review status: criteria provided, single submitter. Criteria: Ambry Variant Classification Scheme 2023. Collection method: clinical testing. Allele origin: germline.
Comment: The p.S704F variant (also known as c.2111C>T), located in coding exon 13 of the IGHMBP2 gene, results from a C to T substitution at nucleotide position 2111. The serine at codon 704 is replaced by phenylalanine, an amino acid with highly dissimilar properties. This amino acid position is conserved. In addition, this alteration is predicted to be tolerated by in silico analysis. Since supporting evidence is limited at this time, the clinical significance of this alteration remains unclear.